The following is an entry in ClinVar:

NM_020066.5(FMN2):c.3198A>T (p.Pro1066=)

Gene: FMN2 (formin 2; plus strand). Cytogenetic location: 1q43.
Variant type: single nucleotide variant.
Coding change: c.3198A>T on transcript NM_020066.5 (MANE Select); coding-DNA position 3198, A replaced by T.
Protein change: p.Pro1066=; no amino-acid change (proline 1066 retained).
Molecular consequence: synonymous variant. On other transcripts: intron variant (1).
Genome position (GRCh38, 1-based): chr1:240,208,010, A>T. VCF-style: chr1-240208010-A-T. GRCh37 (hg19) VCF-style: chr1-240371310-A-T.
Other names: c.3210A>T, p.Pro1070= (NM_001305424.2); c.1986+19748A>T (NM_001348094.2).
Identifiers: ClinVar variation 2640172 (VCV002640172.24), dbSNP rs201229245, ClinGen allele CA1477026.

ClinVar aggregate classification (germline): Likely benign (1 of 4 stars; one submission).

Submission:

CeGaT Center for Human Genetics Tuebingen
Classification: Likely benign. Last evaluated: 2026-05-01. Review status: criteria provided, single submitter. Criteria: CeGaT Center For Human Genetics Tuebingen Variant Classification Criteria Version 2. Collection method: clinical testing. Allele origin: germline. Affected: yes. Observed: 5 variant alleles.
Comment: FMN2: BP4, BP7